The following is an entry in ClinVar:

ClinVar aggregate classification (germline): Uncertain significance. Review status: criteria provided, multiple submitters, no conflicts (2 of 4 stars). 4 submissions from 4 submitters: Uncertain significance (4). Last evaluated 2025-08-11.

Conditions:
Familial thoracic aortic aneurysm and aortic dissection (TAAD). Also called: Thoracic aortic aneurysms and dissections. Identifiers: Orphanet 91387, MedGen C4707243, MONDO:0019625.
Marfan syndrome (MFS). Also called: Marfan syndrome type 1; Marfan's syndrome; FBN1-Related Marfan Syndrome; MARFAN SYNDROME, TYPE I; Marfan syndrome, classic. Identifiers: Orphanet 284963, Orphanet 558, MedGen C0024796, MONDO:0007947, OMIM 154700.
Geleophysic dysplasia 2 (GPHYSD2). Identifiers: Orphanet 2623, MedGen C3280054, MONDO:0013612, OMIM 614185.
Acromicric dysplasia (ACMICD). Also called: Acromicric skeletal dysplasia. Identifiers: Orphanet 969, MedGen C0265287, MONDO:0007055, OMIM 102370.
Weill-Marchesani syndrome 2, dominant. Also called: FBN1-Related Weill-Marchesani Syndrome; Weill-Marchesani Syndrome, Autosomal Dominant. Identifiers: Orphanet 2084, MedGen C1869115, MONDO:0012013, OMIM 608328.
Ectopia lentis 1, isolated, autosomal dominant (ECTOL1). Identifiers: Orphanet 1885, MedGen C3541518, MONDO:0007514, OMIM 129600.
Progeroid and marfanoid aspect-lipodystrophy syndrome. Also called: MARFANOID-PROGEROID-LIPODYSTROPHY SYNDROME; MARFANOID-PROGEROID SYNDROME; MARFAN-PROGEROID-LIPODYSTROPHY SYNDROME; Marfan lipodystrophy syndrome. Identifiers: Orphanet 300382, MedGen C4310796, MONDO:0014831, OMIM 616914.
Stiff skin syndrome (SSKS). Identifiers: Orphanet 2833, MedGen C1861456, MONDO:0008492, OMIM 184900.
MASS syndrome (OCTD). Also called: MASS PHENOTYPE; OVERLAP CONNECTIVE TISSUE DISEASE. Identifiers: MedGen C1858556, MONDO:0011431, OMIM 604308.

Allele frequency attached by ClinVar (database versions not stated): gnomAD exomes below 0.00001; ExAC 0.00001.
gnomAD v4.1: 1 of 1,614,252 alleles (0.000062%); no homozygotes.

Submissions (4):

Labcorp Genetics (formerly Invitae), Labcorp
Classification: Uncertain significance for Marfan syndrome; Familial thoracic aortic aneurysm and aortic dissection. Last evaluated: 2025-08-11. Review status: criteria provided, single submitter. Criteria: Invitae Variant Classification Sherloc (09022015). Collection method: clinical testing. Allele origin: germline.
Comment: This sequence change replaces threonine, which is neutral and polar, with alanine, which is neutral and non-polar, at codon 1069 of the FBN1 protein (p.Thr1069Ala). This variant is present in population databases (rs761632843, gnomAD no frequency). This variant has not been reported in the literature in individuals affected with FBN1-related conditions. ClinVar contains an entry for this variant (Variation ID: 1332044). Invitae Evidence Modeling of protein sequence and biophysical properties (such as structural, functional, and spatial information, amino acid conservation, physicochemical variation, residue mobility, and thermodynamic stability) indicates that this missense variant is expected to disrupt FBN1 protein function with a positive predictive value of 80%. In summary, the available evidence is currently insufficient to determine the role of this variant in disease. Therefore, it has been classified as a Variant of Uncertain Significance.

Color Diagnostics, LLC DBA Color Health
Classification: Uncertain significance for Familial thoracic aortic aneurysm and aortic dissection. Last evaluated: 2025-02-24. Review status: criteria provided, single submitter. Criteria: ACMG Guidelines, 2015. Collection method: clinical testing. Allele origin: germline.
Comment: This missense variant replaces threonine with alanine at codon 1069 of the FBN1 protein. Computational prediction tool is inconclusive regarding the impact of this variant on protein structure and function. To our knowledge, functional studies have not been reported for this variant. This variant has not been reported in individuals affected with FBN1-related disorders in the literature. This variant has been identified in 1/251496 chromosomes in the general population by the Genome Aggregation Database (gnomAD). The available evidence is insufficient to determine the role of this variant in disease conclusively. Therefore, this variant is classified as a Variant of Uncertain Significance.

All of Us Research Program, National Institutes of Health
Classification: Uncertain significance for Marfan syndrome. Last evaluated: 2023-03-28. Review status: criteria provided, single submitter. Criteria: ACMG Guidelines, 2015. Collection method: clinical testing. Allele origin: germline. Inheritance: Autosomal dominant inheritance. Observed: 1 variant allele, 1 heterozygote.
Comment: This missense variant replaces threonine with alanine at codon 1069 of the FBN1 protein. Computational prediction is inconclusive regarding the impact of this variant on protein structure and function (internally defined REVEL score threshold 0.5 < inconclusive < 0.7, PMID: 27666373). To our knowledge, functional studies have not been reported for this variant. This variant has not been reported in individuals affected with cardiovascular disorders in the literature. This variant has been identified in 1/251496 chromosomes in the general population by the Genome Aggregation Database (gnomAD). The available evidence is insufficient to determine the role of this variant in disease conclusively. Therefore, this variant is classified as a Variant of Uncertain Significance.

This study involves interpretation of variants in research participants for the purpose of population health screening. Participant phenotype was not available at the time of variant classification. Additional details can be found in publication PMID: 35346344, PMCID: PMC8962531

Fulgent Genetics
Classification: Uncertain significance for Acromicric dysplasia; Ectopia lentis 1, isolated, autosomal dominant; Marfan syndrome; Stiff skin syndrome; MASS syndrome; Weill-Marchesani syndrome 2, dominant; Geleophysic dysplasia 2; Progeroid and marfanoid aspect-lipodystrophy syndrome. Last evaluated: 2021-08-19. Review status: criteria provided, single submitter. Criteria: ACMG Guidelines, 2015. Collection method: clinical testing. Allele origin: unknown.

NM_000138.5(FBN1):c.3205A>G (p.Thr1069Ala)

Gene: FBN1 (fibrillin 1; minus strand). Cytogenetic location: 15q21.1.
Variant type: single nucleotide variant.
Coding change: c.3205A>G on transcript NM_000138.5 (MANE Select); coding-DNA position 3205, A replaced by G.
Protein change: p.Thr1069Ala; replaces threonine 1069 with alanine.
Molecular consequence: missense variant.
Genome position (GRCh38, 1-based): chr15:48,488,371, T>C on the plus strand (A>G on the coding strand, the complement: FBN1 is on the minus strand). VCF-style: chr15-48488371-T-C. GRCh37 (hg19) VCF-style: chr15-48780568-T-C.
Other names: short protein forms T1069A.
Identifiers: ClinVar variation 1332044 (VCV001332044.8), dbSNP rs761632843, ClinGen allele CA050032.